The following is an entry in ClinVar:

ClinVar aggregate classification (germline): Uncertain significance. Review status: criteria provided, multiple submitters, no conflicts (2 of 4 stars). 7 submissions from 7 submitters: Uncertain significance (7). Last evaluated 2025-11-11.

Conditions:
Hereditary cancer-predisposing syndrome. Also called: Neoplastic Syndromes, Hereditary; Tumor predisposition; Hereditary Cancer Syndrome; Hereditary neoplastic syndrome. Identifiers: Orphanet 140162, MedGen C0027672, MeSH D009386, MONDO:0015356.
Breast-ovarian cancer, familial, susceptibility to, 4. Identifiers: Orphanet 145, MedGen C3280345, MONDO:0013669, OMIM 614291.

Allele frequency attached by ClinVar (database versions not stated): TOPMed below 0.00001.

Submissions (7):

Ambry Genetics
Classification: Uncertain significance for Hereditary cancer-predisposing syndrome. Last evaluated: 2025-11-11. Review status: criteria provided, single submitter. Criteria: Ambry Variant Classification Scheme 2023. Collection method: clinical testing. Allele origin: germline.
Comment: The p.M227T variant (also known as c.680T>C), located in coding exon 8 of the RAD51D gene, results from a T to C substitution at nucleotide position 680. The methionine at codon 227 is replaced by threonine, an amino acid with similar properties. This amino acid position is highly conserved in available vertebrate species. In addition, this alteration is predicted to be deleterious by in silico analysis. Since supporting evidence is limited at this time, the clinical significance of this alteration remains unclear.

Labcorp Genetics (formerly Invitae), Labcorp
Classification: Uncertain significance for Breast-ovarian cancer, familial, susceptibility to, 4. Last evaluated: 2025-08-07. Review status: criteria provided, single submitter. Criteria: Invitae Variant Classification Sherloc (09022015). Collection method: clinical testing. Allele origin: germline.
Comment: This sequence change replaces methionine, which is neutral and non-polar, with threonine, which is neutral and polar, at codon 227 of the RAD51D protein (p.Met227Thr). This variant is present in population databases (no rsID available, gnomAD 0.02%). This variant has not been reported in the literature in individuals affected with RAD51D-related conditions. ClinVar contains an entry for this variant (Variation ID: 472619). Invitae Evidence Modeling of protein sequence and biophysical properties (such as structural, functional, and spatial information, amino acid conservation, physicochemical variation, residue mobility, and thermodynamic stability) indicates that this missense variant is not expected to disrupt RAD51D protein function with a negative predictive value of 80%. In summary, the available evidence is currently insufficient to determine the role of this variant in disease. Therefore, it has been classified as a Variant of Uncertain Significance.

Color Diagnostics, LLC DBA Color Health
Classification: Uncertain significance for Hereditary cancer-predisposing syndrome. Last evaluated: 2024-02-12. Review status: criteria provided, single submitter. Criteria: ACMG Guidelines, 2015. Collection method: clinical testing. Allele origin: germline.
Comment: This missense variant replaces methionine with threonine at codon 227 of the RAD51D protein. Computational prediction is inconclusive regarding the impact of this variant on protein structure and function. To our knowledge, functional studies have not been reported for this variant. This variant has not been reported in individuals affected with RAD51D-related disorders in the literature. This variant has been identified in 6/246306 chromosomes in the general population by the Genome Aggregation Database (gnomAD). The available evidence is insufficient to determine the role of this variant in disease conclusively. Therefore, this variant is classified as a Variant of Uncertain Significance.

GeneDx
Classification: Uncertain significance. Last evaluated: 2023-11-30. Review status: criteria provided, single submitter. Criteria: GeneDx Variant Classification Process June 2021. Collection method: clinical testing. Allele origin: germline. Affected: yes.
Comment: In silico analysis supports that this missense variant has a deleterious effect on protein structure/function; Has not been previously published as pathogenic or benign to our knowledge; This variant is associated with the following publications: (PMID: 21111057, 14704354)

Baylor Genetics
Classification: Uncertain significance for Breast-ovarian cancer, familial, susceptibility to, 4. Last evaluated: 2023-09-07. Review status: criteria provided, single submitter. Criteria: ACMG Guidelines, 2015. Collection method: clinical testing. Allele origin: unknown.

Fulgent Genetics
Classification: Uncertain significance for Breast-ovarian cancer, familial, susceptibility to, 4. Last evaluated: 2022-02-21. Review status: criteria provided, single submitter. Criteria: ACMG Guidelines, 2015. Collection method: clinical testing. Allele origin: unknown.

PreventionGenetics, part of Exact Sciences
Classification: Uncertain significance. Last evaluated: 2017-09-14. Review status: criteria provided, single submitter. Criteria: ACMG Guidelines, 2015. Collection method: clinical testing. Allele origin: germline.

NM_002878.4(RAD51D):c.680T>C (p.Met227Thr)

Genes: RAD51L3-RFFL (RAD51L3-RFFL readthrough; minus strand), RAD51D (RAD51 paralog D; minus strand). Cytogenetic location: 17q12.
Variant type: single nucleotide variant.
Coding change: c.680T>C on transcript NM_002878.4 (MANE Select); coding-DNA position 680, T replaced by C.
Protein change: p.Met227Thr; replaces methionine 227 with threonine.
Molecular consequence: missense variant. On other transcripts: non-coding transcript variant (3).
Genome position (GRCh38, 1-based): chr17:35,103,312, A>G on the plus strand (T>C on the coding strand, the complement: RAD51D is on the minus strand). VCF-style: chr17-35103312-A-G. GRCh37 (hg19) VCF-style: chr17-33430331-A-G.
Other names: c.344T>C, p.Met115Thr (NM_133629.3); c.740T>C, p.Met247Thr (NM_001142571.2); short protein forms M227T, M115T, M247T.
Identifiers: ClinVar variation 472619 (VCV000472619.24), dbSNP rs773485482, ClinGen allele CA399087763.